The following is an entry in ClinVar:

ClinVar aggregate classification (germline): Uncertain significance. Review status: criteria provided, multiple submitters, no conflicts (2 of 4 stars). 2 submissions from 2 submitters: Uncertain significance (2). Last evaluated 2025-06-12.

Conditions:
Inborn genetic diseases. Identifiers: MedGen C0950123, MeSH D030342.
Frontotemporal dementia and/or amyotrophic lateral sclerosis 4. Also called: FTDALS4. Identifiers: Orphanet 275872, MedGen C4225325, MONDO:0014641, OMIM 616439.

Allele frequency attached by ClinVar (database versions not stated): gnomAD 0.00001; gnomAD exomes 0.00001.
gnomAD v4.1: 10 of 1,519,712 alleles (0.00066%); highest among the groups gnomAD compares: African/African-American, 0.0029%; no homozygotes.

Submissions (2):

Labcorp Genetics (formerly Invitae), Labcorp
Classification: Uncertain significance for Frontotemporal dementia and/or amyotrophic lateral sclerosis 4. Last evaluated: 2025-06-12. Review status: criteria provided, single submitter. Criteria: Invitae Variant Classification Sherloc (09022015). Collection method: clinical testing. Allele origin: germline.
Comment: This sequence change replaces threonine, which is neutral and polar, with isoleucine, which is neutral and non-polar, at codon 664 of the TBK1 protein (p.Thr664Ile). This variant is not present in population databases (gnomAD no frequency). This variant has not been reported in the literature in individuals affected with TBK1-related conditions. ClinVar contains an entry for this variant (Variation ID: 1915381). Invitae Evidence Modeling of protein sequence and biophysical properties (such as structural, functional, and spatial information, amino acid conservation, physicochemical variation, residue mobility, and thermodynamic stability) indicates that this missense variant is not expected to disrupt TBK1 protein function with a negative predictive value of 95%. In summary, the available evidence is currently insufficient to determine the role of this variant in disease. Therefore, it has been classified as a Variant of Uncertain Significance.

Ambry Genetics
Classification: Uncertain significance for Inborn genetic diseases. Last evaluated: 2025-06-08. Review status: criteria provided, single submitter. Criteria: Ambry Variant Classification Scheme 2023. Collection method: clinical testing. Allele origin: germline.

NM_013254.4(TBK1):c.1991C>T (p.Thr664Ile)

Gene: TBK1 (TANK binding kinase 1; plus strand). Cytogenetic location: 12q14.2.
Variant type: single nucleotide variant.
Coding change: c.1991C>T on transcript NM_013254.4 (MANE Select); coding-DNA position 1991, C replaced by T.
Protein change: p.Thr664Ile; replaces threonine 664 with isoleucine.
Molecular consequence: missense variant.
Genome position (GRCh38, 1-based): chr12:64,497,679, C>T. VCF-style: chr12-64497679-C-T. GRCh37 (hg19) VCF-style: chr12-64891459-C-T.
Other names: c.1991C>T (NM_013254.3); short protein forms T664I.
Identifiers: ClinVar variation 1915381 (VCV001915381.6), dbSNP rs2040944256, ClinGen allele CA385606920.